The following is an entry in ClinVar:

NM_006269.2(RP1):c.2873A>C (p.His958Pro)

Gene: RP1 (RP1 axonemal microtubule associated; plus strand). Cytogenetic location: 8q12.1.
Variant type: single nucleotide variant.
Coding change: c.2873A>C on transcript NM_006269.2 (MANE Select); coding-DNA position 2873, A replaced by C.
Protein change: p.His958Pro; replaces histidine 958 with proline.
Molecular consequence: missense variant. On other transcripts: intron variant (1).
Genome position (GRCh38, 1-based): chr8:54,626,755, A>C. VCF-style: chr8-54626755-A-C. GRCh37 (hg19) VCF-style: chr8-55539315-A-C.
Other names: c.787+4467A>C (NM_001375654.1); c.2873A>C (NM_006269.1); short protein forms H958P.
Identifiers: ClinVar variation 1056867 (VCV001056867.11), dbSNP rs754138300, ClinGen allele CA4751595.

ClinVar aggregate classification (germline): Uncertain significance. Review status: criteria provided, multiple submitters, no conflicts (2 of 4 stars). 2 submissions from 2 submitters: Uncertain significance (2). Last evaluated 2025-10-28.

Conditions:
Inborn genetic diseases. Identifiers: MedGen C0950123, MeSH D030342.

Allele frequency attached by ClinVar (database versions not stated): gnomAD 0.00001.
gnomAD v4.1: 46 of 1,613,812 alleles (0.0029%); highest among the groups gnomAD compares: Non-Finnish European, 0.0034%; no homozygotes.

Submissions (2):

Ambry Genetics
Classification: Uncertain significance for Inborn genetic diseases. Last evaluated: 2025-10-28. Review status: criteria provided, single submitter. Criteria: Ambry Variant Classification Scheme 2023. Collection method: clinical testing. Allele origin: germline.

Labcorp Genetics (formerly Invitae), Labcorp
Classification: Uncertain significance. Last evaluated: 2025-03-17. Review status: criteria provided, single submitter. Criteria: Invitae Variant Classification Sherloc (09022015). Collection method: clinical testing. Allele origin: germline.
Comment: This sequence change replaces histidine, which is basic and polar, with proline, which is neutral and non-polar, at codon 958 of the RP1 protein (p.His958Pro). This variant is present in population databases (rs754138300, gnomAD 0.006%). This variant has not been reported in the literature in individuals affected with RP1-related conditions. ClinVar contains an entry for this variant (Variation ID: 1056867). An algorithm developed to predict the effect of missense changes on protein structure and function (PolyPhen-2) suggests that this variant is likely to be tolerated. In summary, the available evidence is currently insufficient to determine the role of this variant in disease. Therefore, it has been classified as a Variant of Uncertain Significance.